The following is an entry in ClinVar:

ClinVar aggregate classification (germline): Pathogenic (1 of 4 stars; one submission).

Conditions:
Arrhythmogenic cardiomyopathy with wooly hair and keratoderma. Also called: PALMOPLANTAR KERATODERMA WITH LEFT VENTRICULAR CARDIOMYOPATHY AND WOOLLY HAIR; Carvajal syndrome; Dilated cardiomyopathy with woolly hair and keratoderma; Arrhythmogenic cardiomyopathy with woolly hair and keratoderma. Identifiers: Orphanet 65282, MedGen C1854063, MONDO:0011581, OMIM 605676.
Arrhythmogenic right ventricular dysplasia 8 (ARVD8). Also called: ARRHYTHMOGENIC RIGHT VENTRICULAR DYSPLASIA, FAMILIAL, 8; Arrhythmogenic Right Ventricular Dysplasia/Cardiomyopathy 8; ARRHYTHMOGENIC RIGHT VENTRICULAR CARDIOMYOPATHY 8. Identifiers: MedGen C1843896, MONDO:0011831, OMIM 607450.

Submission:

Labcorp Genetics (formerly Invitae), Labcorp
Classification: Pathogenic for Arrhythmogenic cardiomyopathy with wooly hair and keratoderma; Arrhythmogenic right ventricular dysplasia 8. Last evaluated: 2021-05-24. Review status: criteria provided, single submitter. Criteria: Invitae Variant Classification Sherloc (09022015). Collection method: clinical testing. Allele origin: germline.
Comment: This variant disrupts the C-terminus of the DSP protein. Other variant(s) that disrupt this region (p.Lys2693Profs*3, p.Thr2733Serfs*14, p.Gln2765Alafs*23, p.Thr2634Lysfs*4) have been determined to be pathogenic (PMID: 11063735, 28527814, 21859740). This suggests that variants that disrupt this region of the protein are likely to be causative of disease. For these reasons, this variant has been classified as Pathogenic. This variant has not been reported in the literature in individuals with DSP-related conditions. This variant results in the deletion of part of exon 24 (c.5671_*1792delinsAGAACAGTCTT) of the DSP gene. While this deletion is not anticipated to lead to nonsense mediated decay, it is expected to alter mRNA translation or result in a truncated protein product.

Literature cited by the submitters: PubMed 11063735; PubMed 28527814; PubMed 21859740.

NC_000006.11:g.(?_7583161)_(7587903_?)del

Gene: DSP (desmoplakin; plus strand). Cytogenetic location: 6p24.3.
Variant type: Deletion.
Identifiers: ClinVar variation 1455973 (VCV001455973.7).